The following is an entry in ClinVar:

NM_002609.4(PDGFRB):c.3040C>T (p.Pro1014Ser)

Gene: PDGFRB (platelet derived growth factor receptor beta; minus strand). Cytogenetic location: 5q32.
Variant type: single nucleotide variant.
Coding change: c.3040C>T on transcript NM_002609.4 (MANE Select); coding-DNA position 3040, C replaced by T.
Protein change: p.Pro1014Ser; replaces proline 1014 with serine.
Molecular consequence: missense variant.
Genome position (GRCh38, 1-based): chr5:150,117,715, G>A on the plus strand (C>T on the coding strand, the complement: PDGFRB is on the minus strand). VCF-style: chr5-150117715-G-A. GRCh37 (hg19) VCF-style: chr5-149497278-G-A.
Other names: c.2848C>T, p.Pro950Ser (NM_001355016.2); c.2557C>T, p.Pro853Ser (NM_001355017.2); short protein forms P1014S, P950S, P853S.
Identifiers: ClinVar variation 4782945 (VCV004782945.1).

ClinVar aggregate classification (germline): Uncertain significance (1 of 4 stars; one submission).

Conditions:
Skeletal overgrowth-craniofacial dysmorphism-hyperelastic skin-white matter lesions syndrome. Also called: SKELETAL OVERGROWTH WITH FACIAL DYSMORPHISM, HYPERELASTIC SKIN, WHITE MATTER LESIONS, AND NEUROLOGIC DETERIORATION; Kosaki overgrowth syndrome. Identifiers: Orphanet 477831, MedGen C4225270, MONDO:0014704, OMIM 616592.
Acroosteolysis-keloid-like lesions-premature aging syndrome. Also called: Premature aging syndrome, Penttinen type; Prematurely aged appearance, delayed bone maturation, acro-osteolysis, and brachydactyly; Progeroid syndrome, Penttinen type. Identifiers: Orphanet 363665, MedGen C1866182, MONDO:0011150, OMIM 601812.
Infantile myofibromatosis (IMF). Also called: Congenital generalized fibromatosis. Identifiers: Orphanet 2591, MedGen C0432284, MONDO:0016824.
Basal ganglia calcification, idiopathic, 4 (PFBC4). Also called: Familial Idiopathic Basal Ganglia Calcification 4; PRIMARY FAMILIAL BRAIN CALCIFICATION 4, AUTOSOMAL DOMINANT. Identifiers: Orphanet 1980, MedGen C3554321, MONDO:0014004, OMIM 615007.

Submission:

Labcorp Genetics (formerly Invitae), Labcorp
Classification: Uncertain significance for Basal ganglia calcification, idiopathic, 4; Skeletal overgrowth-craniofacial dysmorphism-hyperelastic skin-white matter lesions syndrome; Infantile myofibromatosis; Acroosteolysis-keloid-like lesions-premature aging syndrome. Last evaluated: 2025-12-26. Review status: criteria provided, single submitter. Criteria: Invitae Variant Classification Sherloc (09022015). Collection method: clinical testing. Allele origin: germline.
Comment: This sequence change replaces proline, which is neutral and non-polar, with serine, which is neutral and polar, at codon 1014 of the PDGFRB protein (p.Pro1014Ser). This variant is not present in population databases (gnomAD no frequency). This variant has not been reported in the literature in individuals affected with PDGFRB-related conditions. Invitae Evidence Modeling of protein sequence and biophysical properties (such as structural, functional, and spatial information, amino acid conservation, physicochemical variation, residue mobility, and thermodynamic stability) indicates that this missense variant is not expected to disrupt PDGFRB protein function with a negative predictive value of 80%. In summary, the available evidence is currently insufficient to determine the role of this variant in disease. Therefore, it has been classified as a Variant of Uncertain Significance.